The following is an entry in ClinVar:

NM_177438.3(DICER1):c.2119G>T (p.Glu707Ter)

Gene: DICER1 (dicer 1, ribonuclease III; minus strand). Cytogenetic location: 14q32.13.
Variant type: single nucleotide variant.
Coding change: c.2119G>T on transcript NM_177438.3 (MANE Select); coding-DNA position 2119, G replaced by T.
Protein change: p.Glu707Ter; replaces glutamic acid 707 with a stop codon.
Molecular consequence: nonsense.
Genome position (GRCh38, 1-based): chr14:95,111,454, C>A on the plus strand (G>T on the coding strand, the complement: DICER1 is on the minus strand). VCF-style: chr14-95111454-C-A. GRCh37 (hg19) VCF-style: chr14-95577791-C-A.
Other names: c.2119G>T, p.Glu707Ter (NM_001195573.1, NM_001271282.3, NM_001291628.2 and 1 more transcripts); short protein forms E707*.
Identifiers: ClinVar variation 864427 (VCV000864427.9), dbSNP rs1555371642, ClinGen allele CA390882937.

ClinVar aggregate classification (germline): Pathogenic (1 of 4 stars; one submission).

Conditions:
DICER1-related tumor predisposition. Also called: DICER1-related pleuropulmonary blastoma cancer predisposition syndrome; DICER1 syndrome. Identifiers: Orphanet 284343, MedGen C3839822, MONDO:0100216.

Submission:

Labcorp Genetics (formerly Invitae), Labcorp
Classification: Pathogenic for DICER1-related tumor predisposition. Last evaluated: 2024-04-23. Review status: criteria provided, single submitter. Criteria: Invitae Variant Classification Sherloc (09022015). Collection method: clinical testing. Allele origin: germline.
Comment: This sequence change creates a premature translational stop signal (p.Glu707*) in the DICER1 gene. It is expected to result in an absent or disrupted protein product. Loss-of-function variants in DICER1 are known to be pathogenic (PMID: 19556464, 21266384). This variant is not present in population databases (gnomAD no frequency). This variant has not been reported in the literature in individuals affected with DICER1-related conditions. ClinVar contains an entry for this variant (Variation ID: 864427). For these reasons, this variant has been classified as Pathogenic.

Literature cited by the submitters: PubMed 19556464; PubMed 21266384.